The following is an entry in ClinVar:

ClinVar aggregate classification (germline): Uncertain significance (1 of 4 stars; one submission).

Conditions:
Leukoencephalopathy, diffuse hereditary, with spheroids 1 (HDLS1). Also called: CSF1R-related adult-onset leukoencephalopathy with axonal spheroids and pigmented glia; DEMENTIA, FAMILIAL, NEUMANN TYPE; SUBCORTICAL GLIOSIS OF NEUMANN. Identifiers: Orphanet 313808, MedGen C5561929, MONDO:0800027, OMIM 221820.

Submission:

Institute of Human Genetics, University of Leipzig Medical Center
Classification: Uncertain significance for Leukoencephalopathy, diffuse hereditary, with spheroids 1. Last evaluated: 2025-06-23. Review status: criteria provided, single submitter. Criteria: ACMG Guidelines, 2015. Collection method: clinical testing. Allele origin: unknown. Inheritance: Autosomal dominant inheritance. Affected: yes.
Comment: Criteria applied: PM2,PM5,PP3

NM_001288705.3(CSF1R):c.1897G>C (p.Glu633Gln)

Gene: CSF1R (colony stimulating factor 1 receptor; minus strand). Cytogenetic location: 5q32.
Variant type: single nucleotide variant.
Coding change: c.1897G>C on transcript NM_001288705.3 (MANE Select); coding-DNA position 1897, G replaced by C.
Protein change: p.Glu633Gln; replaces glutamic acid 633 with glutamine.
Molecular consequence: missense variant. On other transcripts: non-coding transcript variant (2).
Genome position (GRCh38, 1-based): chr5:150,060,934, C>G on the plus strand (G>C on the coding strand, the complement: CSF1R is on the minus strand). VCF-style: chr5-150060934-C-G. GRCh37 (hg19) VCF-style: chr5-149440497-C-G.
Other names: c.1897G>C, p.Glu633Gln (NM_001349736.2, NM_001375320.1, NM_005211.4); c.1453G>C, p.Glu485Gln (NM_001375321.1); short protein forms E485Q, E633Q.
Identifiers: ClinVar variation 3901159 (VCV003901159.2).
Genomic context (GRCh38, chr5:150,060,934, plus strand): 5'-AGGCTCCCAGAAGGTTGACGATGTTCTCGTGCTGGCCCAGGTGGCTCATGATCTTCAGCT[C>G]GGACATGAGGGCCTCCTTCTCATCAGCATGGGCCGTGGCTGGGAGGAAGAACCACAGTCC-3'
Protein context (NP_001275634.1, residues 623-643): HADEKEALMS[Glu633Gln]LKIMSHLGQH